The following is an entry in ClinVar:

ClinVar aggregate classification (germline): Likely benign. Review status: criteria provided, multiple submitters, no conflicts (2 of 4 stars). 3 submissions from 3 submitters: Likely benign (2). 1 of the submissions does not count toward it. Last evaluated 2025-11-13.

Conditions:
Congenital myopathy with internal nuclei and atypical cores. Also called: Myopathy, centronuclear, 4. Identifiers: Orphanet 319160, MedGen C4707232, MONDO:0013890, OMIM 614807.
CCDC78-related disorder. Also called: CCDC78-related condition.

Allele frequency attached by ClinVar (database versions not stated): gnomAD exomes 0.00008 and 0.00019; ExAC 0.00018; 1000 Genomes Project 0.00040; 1000 Genomes Project 30x 0.00047; ESP Exome Variant Server 0.00062; TOPMed 0.00071; gnomAD 0.00076 and 0.00087.
gnomAD v4.1: 236 of 1,611,762 alleles (0.015%); highest among the groups gnomAD compares: African/African-American, 0.26%; no homozygotes.

Submissions (3):

Labcorp Genetics (formerly Invitae), Labcorp
Classification: Likely benign for Congenital myopathy with internal nuclei and atypical cores. Last evaluated: 2025-11-13. Review status: criteria provided, single submitter. Criteria: Invitae Variant Classification Sherloc (09022015). Collection method: clinical testing. Allele origin: germline.

GeneDx
Classification: Likely benign. Last evaluated: 2020-02-27. Review status: criteria provided, single submitter. Criteria: GeneDx Variant Classification Process June 2021. Collection method: clinical testing. Allele origin: germline. Affected: yes.
Comment: This variant is associated with the following publications: (PMID: 29970176)

PreventionGenetics, part of Exact Sciences
Classification: Likely benign for CCDC78-related condition. Last evaluated: 2019-06-17. Review status: no assertion criteria provided. Collection method: clinical testing. Allele origin: germline. Not counted in ClinVar's aggregate classification.
Comment: This variant is classified as likely benign based on ACMG/AMP sequence variant interpretation guidelines (Richards et al. 2015 PMID: 25741868, with internal and published modifications).

NM_001378030.1(CCDC78):c.308G>A (p.Arg103Gln)

Gene: CCDC78 (coiled-coil domain containing 78; minus strand). Cytogenetic location: 16p13.3.
Variant type: single nucleotide variant.
Coding change: c.308G>A on transcript NM_001378030.1 (MANE Select); coding-DNA position 308, G replaced by A.
Protein change: p.Arg103Gln; replaces arginine 103 with glutamine.
Molecular consequence: missense variant. On other transcripts: non-coding transcript variant (5), intron variant (1).
Genome position (GRCh38, 1-based): chr16:725,540, C>T on the plus strand (G>A on the coding strand, the complement: CCDC78 is on the minus strand). VCF-style: chr16-725540-C-T. GRCh37 (hg19) VCF-style: chr16-775540-C-T.
Other names: c.308G>A, p.Arg103Gln (NM_001031737.3, NM_001378031.1); c.-18-247G>A (NM_001378033.1); short protein forms R103Q.
Identifiers: ClinVar variation 540469 (VCV000540469.15), dbSNP rs151206197, ClinGen allele CA7789648.